The following is an entry in ClinVar:

ClinVar aggregate classification (germline): Uncertain significance (1 of 4 stars; one submission).

Conditions:
Hyperphosphatasia with impaired intellectual development syndrome 2. Also called: Hyperphosphatasia with intellectual disability syndrome 2; GLYCOSYLPHOSPHATIDYLINOSITOL BIOSYNTHESIS DEFECT 6. Identifiers: Orphanet 247262, MedGen C3553637, MONDO:0013882, OMIM 614749.

Submission:

Labcorp Genetics (formerly Invitae), Labcorp
Classification: Uncertain significance for Hyperphosphatasia with impaired intellectual development syndrome 2. Last evaluated: 2022-02-04. Review status: criteria provided, single submitter. Criteria: Invitae Variant Classification Sherloc (09022015). Collection method: clinical testing. Allele origin: germline.
Comment: This sequence change replaces serine, which is neutral and polar, with alanine, which is neutral and non-polar, at codon 349 of the PIGO protein (p.Ser349Ala). This variant is not present in population databases (gnomAD no frequency). This variant has not been reported in the literature in individuals affected with PIGO-related conditions. ClinVar contains an entry for this variant (Variation ID: 540452). Algorithms developed to predict the effect of missense changes on protein structure and function output the following: SIFT: "Tolerated"; PolyPhen-2: "Benign"; Align-GVGD: "Class C0". The alanine amino acid residue is found in multiple mammalian species, which suggests that this missense change does not adversely affect protein function. In summary, the available evidence is currently insufficient to determine the role of this variant in disease. Therefore, it has been classified as a Variant of Uncertain Significance.

NM_032634.4(PIGO):c.1045T>G (p.Ser349Ala)

Gene: PIGO (phosphatidylinositol glycan anchor biosynthesis class O; minus strand). Cytogenetic location: 9p13.3.
Variant type: single nucleotide variant.
Coding change: c.1045T>G on transcript NM_032634.4 (MANE Select); coding-DNA position 1045, T replaced by G.
Protein change: p.Ser349Ala; replaces serine 349 with alanine.
Molecular consequence: missense variant.
Genome position (GRCh38, 1-based): chr9:35,093,104, A>C on the plus strand (T>G on the coding strand, the complement: PIGO is on the minus strand). VCF-style: chr9-35093104-A-C. GRCh37 (hg19) VCF-style: chr9-35093101-A-C.
Other names: c.1045T>G, p.Ser349Ala (NM_001201484.2, NM_152850.4); short protein forms S349A.
Identifiers: ClinVar variation 540452 (VCV000540452.8), dbSNP rs1554673142, ClinGen allele CA373322935.